The following is an entry in ClinVar:

ClinVar aggregate classification (germline): Likely benign (1 of 4 stars; one submission).

Conditions:
GLA-related disorder. Also called: GLA-related condition.

gnomAD v4.1: 10 of 870,930 alleles (0.0011%); highest among the groups gnomAD compares: Non-Finnish European, 0.0017%; no homozygotes.

Submission:

PreventionGenetics, part of Exact Sciences
Classification: Likely benign for GLA-related condition. Last evaluated: 2024-10-09. Review status: criteria provided, single submitter. Criteria: ACMG Guidelines, 2015. Collection method: clinical testing. Allele origin: germline.
Comment: This variant is classified as likely benign based on ACMG/AMP sequence variant interpretation guidelines (Richards et al. 2015 PMID: 25741868, with internal and published modifications).

NM_000169.3(GLA):c.999+75T>G

Genes: GLA (galactosidase alpha; minus strand), RPL36A-HNRNPH2 (RPL36A-HNRNPH2 readthrough; plus strand). Cytogenetic location: Xq22.1.
Variant type: single nucleotide variant.
Coding change: c.999+75T>G on transcript NM_000169.3 (MANE Select); 75 bases into the intron after coding-DNA position 999, T replaced by G.
Molecular consequence: intron variant. On other transcripts: missense variant (1).
Genome position (GRCh38, 1-based): chrX:101,398,295, A>C on the plus strand (T>G on the coding strand, the complement: GLA is on the minus strand). VCF-style: chrX-101398295-A-C. GRCh37 (hg19) VCF-style: chrX-100653283-A-C.
Other names: c.1074T>G, p.Phe358Leu (NM_001406748.1); c.300+2838A>C (NM_001199973.2); c.177+6473A>C (NM_001199974.2); c.1122+75T>G (NM_001406747.1); short protein forms F358L.
Identifiers: ClinVar variation 4986470 (VCV004986470.1).
Genomic context (GRCh38, chrX:101,398,295, plus strand): 5'-ATAAAGTAATGTTTCTAGCAAGAAGCTTTATTACTGATAGTAACATCAAGAGCAAGGGAA[A>C]AAAATAGATTTAGGCCCAAGACAAAGTTGGTATTGGGTATATAAAGCCATCTTAAAATAT-3'